The following is an entry in ClinVar:

ClinVar aggregate classification (germline): Uncertain significance (1 of 4 stars; one submission).

Conditions:
Autoinflammation, immune dysregulation, and eosinophilia. Also called: ATOPIC DERMATITIS, ENTERITIS, COLITIS, AND EOSINOPHILIA. Identifiers: MedGen C5436572, MONDO:0033558, OMIM 618999.

Submission:

3billion
Classification: Uncertain significance for Autoinflammation, immune dysregulation, and eosinophilia. Last evaluated: 2024-08-12. Review status: criteria provided, single submitter. Criteria: ACMG Guidelines, 2015. Collection method: clinical testing. Allele origin: germline. Affected: yes.
Comment: The variant is not observed in the gnomAD v4.0.0 dataset. Predicted Consequence/Location: Missense variant Damaging effect on gene or gene product predicted by in silico programs is uncertain [REVEL: 0.43 (damaging >=0.6, benign <0.4)]. The variant has been reported as of uncertain significance (ClinVar ID: VCV001467264). Therefore, this variant is classified as VUS according to the recommendation of ACMG/AMP guideline.

NM_002227.4(JAK1):c.1332C>G (p.Ile444Met)

Gene: JAK1 (Janus kinase 1; minus strand). Cytogenetic location: 1p31.3.
Variant type: single nucleotide variant.
Coding change: c.1332C>G on transcript NM_002227.4 (MANE Select); coding-DNA position 1332, C replaced by G.
Protein change: p.Ile444Met; replaces isoleucine 444 with methionine.
Molecular consequence: missense variant.
Genome position (GRCh38, 1-based): chr1:64,860,107, G>C on the plus strand (C>G on the coding strand, the complement: JAK1 is on the minus strand). VCF-style: chr1-64860107-G-C. GRCh37 (hg19) VCF-style: chr1-65325790-G-C.
Other names: c.1332C>G, p.Ile444Met (NM_001320923.2, NM_001321852.2, NM_001321853.2 and 4 more transcripts); short protein forms I444M.
Identifiers: ClinVar variation 4293241 (VCV004293241.1).